The following is an entry in ClinVar:

NM_001130009.3(GEN1):c.1539del (p.Asp514fs)

Gene: GEN1 (GEN1 structure-specific endonuclease; plus strand). Cytogenetic location: 2p24.2.
Variant type: Deletion.
Coding change: c.1539del on transcript NM_001130009.3 (MANE Select); coding-DNA position 1539, one base deleted (T; older notation c.1539delT).
Protein change: p.Asp514fs; shifts the reading frame from aspartic acid 514.
Molecular consequence: frameshift variant.
Genome position (GRCh38, 1-based): chr2:17,780,751, T deleted. VCF-style (leftmost placement, unchanged base first): chr2-17780750-CT-C. GRCh37 (hg19) VCF-style: chr2-17962017-CT-C.
Other names: c.1539del, p.Asp514fs (NM_182625.5); short protein forms D514fs.
Identifiers: ClinVar variation 1056656 (VCV001056656.7), dbSNP rs1558412221, ClinGen allele CA531315155.

ClinVar aggregate classification (germline): Uncertain significance (1 of 4 stars; one submission).

Allele frequency attached by ClinVar (database versions not stated): TOPMed below 0.00001; gnomAD exomes 0.00001.

Submission:

Labcorp Genetics (formerly Invitae), Labcorp
Classification: Uncertain significance. Last evaluated: 2026-01-01. Review status: criteria provided, single submitter. Criteria: Invitae Variant Classification Sherloc (09022015). Collection method: clinical testing. Allele origin: germline.
Comment: This sequence change creates a premature translational stop signal (p.Asp514Ilefs*13) in the GEN1 gene. While this is not anticipated to result in nonsense mediated decay, it is expected to disrupt the last 395 amino acid(s) of the GEN1 protein. This variant is present in population databases (no rsID available, gnomAD 0.003%). This variant has not been reported in the literature in individuals affected with GEN1-related conditions. ClinVar contains an entry for this variant (Variation ID: 1056656). Experimental studies and prediction algorithms are not available or were not evaluated, and the functional significance of this variant is currently unknown. In summary, the available evidence is currently insufficient to determine the role of this variant in disease. Therefore, it has been classified as a Variant of Uncertain Significance.